The following is an entry in ClinVar:

ClinVar aggregate classification (germline): Uncertain significance (1 of 4 stars; one submission).

Submission:

Labcorp Genetics (formerly Invitae), Labcorp
Classification: Uncertain significance. Last evaluated: 2023-01-24. Review status: criteria provided, single submitter. Criteria: Invitae Variant Classification Sherloc (09022015). Collection method: clinical testing. Allele origin: germline.
Comment: In summary, the available evidence is currently insufficient to determine the role of this variant in disease. Therefore, it has been classified as a Variant of Uncertain Significance. Advanced modeling of protein sequence and biophysical properties (such as structural, functional, and spatial information, amino acid conservation, physicochemical variation, residue mobility, and thermodynamic stability) performed at Invitae indicates that this missense variant is not expected to disrupt C3 protein function. This variant has not been reported in the literature in individuals affected with C3-related conditions. This variant is not present in population databases (gnomAD no frequency). This sequence change replaces isoleucine, which is neutral and non-polar, with methionine, which is neutral and non-polar, at codon 1125 of the C3 protein (p.Ile1125Met).

NM_000064.4(C3):c.3375A>G (p.Ile1125Met)

Gene: C3 (complement C3; minus strand). Cytogenetic location: 19p13.3.
Variant type: single nucleotide variant.
Coding change: c.3375A>G on transcript NM_000064.4 (MANE Select); coding-DNA position 3375, A replaced by G.
Protein change: p.Ile1125Met; replaces isoleucine 1125 with methionine.
Molecular consequence: missense variant.
Genome position (GRCh38, 1-based): chr19:6,692,939, T>C on the plus strand (A>G on the coding strand, the complement: C3 is on the minus strand). VCF-style: chr19-6692939-T-C. GRCh37 (hg19) VCF-style: chr19-6692950-T-C.
Other names: short protein forms I1125M.
Identifiers: ClinVar variation 2831637 (VCV002831637.3), dbSNP rs2512242087, ClinGen allele CA403625369.